The following is an entry in ClinVar:

ClinVar aggregate classification (germline): Uncertain significance (1 of 4 stars; one submission).

Conditions:
Spondyloepiphyseal dysplasia with congenital joint dislocations (SEDCJD). Also called: Chondrodysplasia with Congenital Joint Dislocations, CHST3-Related. Identifiers: Orphanet 263463, MedGen C1837657, MONDO:0007738, OMIM 143095.

Allele frequency attached by ClinVar (database versions not stated): gnomAD exomes 0.00001.

Submission:

Labcorp Genetics (formerly Invitae), Labcorp
Classification: Uncertain significance for Spondyloepiphyseal dysplasia with congenital joint dislocations. Last evaluated: 2022-05-07. Review status: criteria provided, single submitter. Criteria: Invitae Variant Classification Sherloc (09022015). Collection method: clinical testing. Allele origin: germline.
Comment: In summary, the available evidence is currently insufficient to determine the role of this variant in disease. Therefore, it has been classified as a Variant of Uncertain Significance. Experimental studies and prediction algorithms are not available or were not evaluated, and the functional significance of this variant is currently unknown. This variant has not been reported in the literature in individuals affected with CHST3-related conditions. This variant is present in population databases (no rsID available, gnomAD 0.01%). This sequence change affects the initiator methionine of the CHST3 mRNA. The next in-frame methionine is located at codon 20.

NM_004273.5(CHST3):c.2T>C (p.Met1Thr)

Gene: CHST3 (carbohydrate sulfotransferase 3; plus strand). Cytogenetic location: 10q22.1.
Variant type: single nucleotide variant.
Coding change: c.2T>C on transcript NM_004273.5 (MANE Select); coding-DNA position 2, T replaced by C.
Protein change: p.Met1Thr; changes the start codon (methionine 1).
Molecular consequence: missense variant, initiator codon variant.
Genome position (GRCh38, 1-based): chr10:72,005,844, T>C. VCF-style: chr10-72005844-T-C. GRCh37 (hg19) VCF-style: chr10-73765602-T-C.
Other names: short protein forms M1T.
Identifiers: ClinVar variation 2177095 (VCV002177095.5), dbSNP rs1238253574, ClinGen allele CA377138832.
Genomic context (GRCh38, chr10:72,005,844, plus strand): 5'-GCCCCTCAGCTGAGTGTCCAAGGCTGGCCCGAGGAGCCCCCACGGCCCCACCTTTCCCCA[T>C]GGAGAAAGGACTCACTTTGCCCCAGGACTGCCGGGACTTTGTGCACAGCCTGAAGATGAG-3'
Protein context (NP_004264.2, residues 1-11): [Met1Thr]EKGLTLPQDC